The following is an entry in ClinVar:

ClinVar aggregate classification (germline): Pathogenic (1 of 4 stars; one submission).

Submission:

Labcorp Genetics (formerly Invitae), Labcorp
Classification: Pathogenic. Last evaluated: 2023-10-22. Review status: criteria provided, single submitter. Criteria: Invitae Variant Classification Sherloc (09022015). Collection method: clinical testing. Allele origin: germline.
Comment: This sequence change creates a premature translational stop signal (p.Lys1360Asnfs*8) in the ERCC6 gene. While this is not anticipated to result in nonsense mediated decay, it is expected to disrupt the last 134 amino acid(s) of the ERCC6 protein. This variant is not present in population databases (gnomAD no frequency). This variant has not been reported in the literature in individuals affected with ERCC6-related conditions. This variant disrupts a region of the ERCC6 protein in which other variant(s) (p.Gly1372Glufs*22) have been determined to be pathogenic (PMID: 27004399). This suggests that this is a clinically significant region of the protein, and that variants that disrupt it are likely to be disease-causing. For these reasons, this variant has been classified as Pathogenic.

Literature cited by the submitters: PubMed 27004399.

NM_000124.4(ERCC6):c.4073_4079dup (p.Lys1360fs)

Gene: ERCC6 (ERCC excision repair 6, chromatin remodeling factor; minus strand). Cytogenetic location: 10q11.23.
Variant type: Duplication.
Coding change: c.4073_4079dup on transcript NM_000124.4 (MANE Select); coding-DNA positions 4073 to 4079, 7 bases duplicated (TGAAAAA; older notation c.4073_4079dupTGAAAAA).
Protein change: p.Lys1360fs; shifts the reading frame from lysine 1360.
Molecular consequence: frameshift variant.
Genome position (GRCh38, 1-based): chr10:49,459,218-49,459,224, TTTTTCA duplicated on the plus strand (TGAAAAA on the coding strand, the reverse complement: ERCC6 is on the minus strand); duplicating any 7 consecutive bases within chr10:49,459,218-49,459,225 gives the same sequence; the c. name uses the placement nearest the transcript's 3' end. VCF-style (leftmost placement, unchanged base first): chr10-49459217-C-CTTTTTCA. GRCh37 (hg19) VCF-style: chr10-50667263-C-CTTTTTCA.
Other names: c.4073_4079dup, p.Lys1360fs (NM_001346440.2); short protein forms K1360fs.
Identifiers: ClinVar variation 2770428 (VCV002770428.3), dbSNP rs2495943969, ClinGen allele CA2697558358.